The following is an entry in ClinVar:

ClinVar aggregate classification (germline): Uncertain significance (1 of 4 stars; one submission).

Allele frequency attached by ClinVar (database versions not stated): gnomAD exomes below 0.00001.
gnomAD v4.1: 2 of 1,604,430 alleles (0.00012%); highest among the groups gnomAD compares: Admixed American, 0.0017%; no homozygotes.

Submission:

Labcorp Genetics (formerly Invitae), Labcorp
Classification: Uncertain significance. Last evaluated: 2023-12-11. Review status: criteria provided, single submitter. Criteria: Invitae Variant Classification Sherloc (09022015). Collection method: clinical testing. Allele origin: germline.
Comment: This sequence change replaces valine, which is neutral and non-polar, with alanine, which is neutral and non-polar, at codon 352 of the RPS6KC1 protein (p.Val352Ala). This variant is not present in population databases (gnomAD no frequency). This variant has not been reported in the literature in individuals affected with RPS6KC1-related conditions. ClinVar contains an entry for this variant (Variation ID: 1978777). An algorithm developed to predict the effect of missense changes on protein structure and function (PolyPhen-2) suggests that this variant is likely to be tolerated. In summary, the available evidence is currently insufficient to determine the role of this variant in disease. Therefore, it has been classified as a Variant of Uncertain Significance.

NM_012424.6(RPS6KC1):c.1055T>C (p.Val352Ala)

Gene: RPS6KC1 (ribosomal protein S6 kinase C1; plus strand). Cytogenetic location: 1q32.3.
Variant type: single nucleotide variant.
Coding change: c.1055T>C on transcript NM_012424.6 (MANE Select); coding-DNA position 1055, T replaced by C.
Protein change: p.Val352Ala; replaces valine 352 with alanine.
Molecular consequence: missense variant. On other transcripts: 5 prime UTR variant (4), non-coding transcript variant (3), intron variant (11).
Genome position (GRCh38, 1-based): chr1:213,230,507, T>C. VCF-style: chr1-213230507-T-C. GRCh37 (hg19) VCF-style: chr1-213403850-T-C.
Other names: c.1019T>C, p.Val340Ala (NM_001136138.4); c.419T>C, p.Val140Ala (NM_001287218.3, NM_001287219.3, NM_001349654.2); c.512T>C, p.Val171Ala (NM_001287221.3, NM_001349648.2, NM_001349649.2 and 4 more transcripts); c.962T>C, p.Val321Ala (NM_001349646.2); c.692T>C, p.Val231Ala (NM_001349647.2); c.164T>C, p.Val55Ala (NM_001349657.2, NM_001349658.2); c.-2T>C (NM_001349659.2, NM_001349660.2, NM_001349661.2 and 1 more transcripts); c.-170-10195T>C (NM_001349669.2, NM_001349666.2, NM_001349664.2 and 8 more transcripts); short protein forms V231A, V140A, V340A, V321A, V352A, V171A, V55A.
Identifiers: ClinVar variation 1978777 (VCV001978777.4), dbSNP rs2094068897, ClinGen allele CA344888710.